The following is an entry in ClinVar:

ClinVar aggregate classification (germline): Conflicting classifications of pathogenicity. Review status: criteria provided, conflicting classifications (1 of 4 stars). 7 submissions from 7 submitters: Uncertain significance (5); Likely benign (2). Last evaluated 2025-11-03.

Conditions:
Ehlers-Danlos syndrome, classic type, 1 (EDSCL1). Also called: EHLERS-DANLOS SYNDROME, GRAVIS TYPE; EHLERS-DANLOS SYNDROME, SEVERE CLASSIC TYPE; Ehlers-Danlos syndrome, type 1; Ehlers-Danlos Syndrome, Classic Type, COL5A1-Related; EDS I. Identifiers: MedGen C0268335, MONDO:0019567, OMIM 130000.
Fibromuscular dysplasia, multifocal. Identifiers: MedGen C5543412, MONDO:0859151, OMIM 619329.
Cardiovascular phenotype. Identifiers: MedGen CN230736.
Familial thoracic aortic aneurysm and aortic dissection (TAAD). Also called: Thoracic aortic aneurysms and dissections. Identifiers: Orphanet 91387, MedGen C4707243, MONDO:0019625.

Allele frequency attached by ClinVar (database versions not stated): gnomAD 0.00001; TOPMed 0.00002; ExAC 0.00003; gnomAD exomes 0.00003 and 0.00004; ESP Exome Variant Server 0.00008.
gnomAD v4.1: 41 of 1,614,084 alleles (0.0025%); highest among the groups gnomAD compares: East Asian, 0.033%; no homozygotes.

Submissions (7):

Labcorp Genetics (formerly Invitae), Labcorp
Classification: Likely benign for Ehlers-Danlos syndrome, classic type, 1. Last evaluated: 2025-11-03. Review status: criteria provided, single submitter. Criteria: Invitae Variant Classification Sherloc (09022015). Collection method: clinical testing. Allele origin: germline.

Molecular Diagnostic Laboratory for Inherited Cardiovascular Disease, Montreal Heart Institute
Classification: Uncertain significance for Cardiovascular phenotype. Last evaluated: 2025-04-09. Review status: criteria provided, single submitter. Criteria: ACMG Guidelines, 2015. Collection method: clinical testing. Allele origin: germline. Affected: yes.

GeneDx
Classification: Uncertain significance. Last evaluated: 2024-10-30. Review status: criteria provided, single submitter. Criteria: GeneDx Variant Classification Process June 2021. Collection method: clinical testing. Allele origin: germline. Affected: yes.
Comment: In silico analysis indicates that this missense variant does not alter protein structure/function; Not located in the triple helical region, where the majority of pathogenic missense variants occur (PMID: 22696272; HGMD); This variant is associated with the following publications: (PMID: 32906206, 22696272, 29924831)

Fulgent Genetics
Classification: Uncertain significance for Ehlers-Danlos syndrome, classic type, 1; Fibromuscular dysplasia, multifocal. Last evaluated: 2024-06-18. Review status: criteria provided, single submitter. Criteria: ACMG Guidelines, 2015. Collection method: clinical testing. Allele origin: germline.

Blueprint Genetics
Classification: Likely benign. Last evaluated: 2023-06-30. Review status: criteria provided, single submitter. Criteria: ACMG Guidelines, 2015. Collection method: clinical testing. Allele origin: germline.

Ambry Genetics
Classification: Uncertain significance for Familial thoracic aortic aneurysm and aortic dissection. Last evaluated: 2021-03-02. Review status: criteria provided, single submitter. Criteria: Ambry Variant Classification Scheme 2023. Collection method: clinical testing. Allele origin: germline.

Women's Health and Genetics/Laboratory Corporation of America, LabCorp
Classification: Uncertain significance. Last evaluated: 2020-05-18. Review status: criteria provided, single submitter. Criteria: LabCorp Variant Classification Summary - May 2015. Collection method: clinical testing. Allele origin: germline.
Comment: Variant summary: COL5A1 c.4765G>A (p.Ala1589Thr) results in a non-conservative amino acid change in the encoded protein sequence. Three of five in-silico tools predict a damaging effect of the variant on protein function. The variant allele was found at a frequency of 3.6e-05 in 251682 control chromosomes (gnomAD and publication). The available data on variant occurrences in the general population are insufficient to allow any conclusion about variant significance. c.4765G>A has been reported in the literature in one individual affected with keratoconus (Lucas_2018). The report does not provide unequivocal conclusions about association of the variant with Ehlers-Danlos Syndrome. To our knowledge, no experimental evidence demonstrating an impact on protein function has been reported. One ClinVar submitter (evaluation after 2014) cites the variant as uncertain significance. Based on the evidence outlined above, the variant was classified as uncertain significance.

Literature cited by the submitters: PubMed 29924831 (cited by Women's Health and Genetics/Laboratory Corporation of America, LabCorp).

NM_000093.5(COL5A1):c.4765G>A (p.Ala1589Thr)

Genes: COL5A1 (collagen type V alpha 1 chain; plus strand), LOC101448202 (uncharacterized LOC101448202; minus strand). Cytogenetic location: 9q34.3.
Variant type: single nucleotide variant.
Coding change: c.4765G>A on transcript NM_000093.5 (MANE Select); coding-DNA position 4765, G replaced by A.
Protein change: p.Ala1589Thr; replaces alanine 1589 with threonine.
Molecular consequence: missense variant.
Genome position (GRCh38, 1-based): chr9:134,824,666, G>A. VCF-style: chr9-134824666-G-A. GRCh37 (hg19) VCF-style: chr9-137716512-G-A.
Other names: p.A1589T:GCC>ACC; c.4765G>A, p.Ala1589Thr (NM_001278074.1); short protein forms A1589T.
Identifiers: ClinVar variation 212990 (VCV000212990.17), dbSNP rs377138881, ClinGen allele CA320247.
Genomic context (GRCh38, chr9:134,824,666, plus strand): 5'-CCGGGAGAGGTCATCCAGCCCCTGCCAATCCAGGCATCCAGGACGCGGCGGAACATCGAC[G>A]CCAGCCAGCTGCTGGACGACGGGAATGGCGAGAACTACGTGGACTACGCGGACGGCATGG-3'
Protein context (NP_000084.3, residues 1579-1599): QASRTRRNID[Ala1589Thr]SQLLDDGNGE